The following is an entry in ClinVar:

ClinVar aggregate classification (germline): Uncertain significance. Review status: criteria provided, multiple submitters, no conflicts (2 of 4 stars). 3 submissions from 3 submitters: Uncertain significance (3). Last evaluated 2026-04-23.

Conditions:
Progressive familial heart block type IB (PFHB1B). Identifiers: Orphanet 871, MedGen C1970298, MONDO:0011474, OMIM 604559.

Submissions (3):

GeneDx
Classification: Uncertain significance. Last evaluated: 2026-04-23. Review status: criteria provided, single submitter. Criteria: GeneDx Variant Classification Process June 2021. Collection method: clinical testing. Allele origin: germline.
Comment: Not observed at significant frequency in large population cohorts (gnomAD); Has not been previously published as pathogenic or benign to our knowledge; Frameshift variant predicted to result in protein truncation or nonsense mediated decay in a gene for which loss of function is not a known mechanism of disease

Labcorp Genetics (formerly Invitae), Labcorp
Classification: Uncertain significance for Progressive familial heart block type IB. Last evaluated: 2025-03-20. Review status: criteria provided, single submitter. Criteria: Invitae Variant Classification Sherloc (09022015). Collection method: clinical testing. Allele origin: germline.
Comment: This sequence change creates a premature translational stop signal (p.Gly127Alafs*151) in the TRPM4 gene. It is expected to result in an absent or disrupted protein product. However, the current clinical and genetic evidence is not sufficient to establish whether loss-of-function variants in TRPM4 cause disease. The frequency data for this variant in the population databases is considered unreliable, as metrics indicate poor data quality at this position in the gnomAD database. This variant has not been reported in the literature in individuals affected with TRPM4-related conditions. ClinVar contains an entry for this variant (Variation ID: 1677761). In summary, the available evidence is currently insufficient to determine the role of this variant in disease. Therefore, it has been classified as a Variant of Uncertain Significance.

AiLife Diagnostics
Classification: Uncertain significance. Last evaluated: 2021-12-30. Review status: criteria provided, single submitter. Criteria: ACMG Guidelines, 2015. Collection method: clinical testing. Allele origin: germline. Affected: yes. Observed: 1 variant allele.

NM_017636.4(TRPM4):c.380del (p.Gly127fs)

Gene: TRPM4 (transient receptor potential cation channel subfamily M member 4; plus strand). Cytogenetic location: 19q13.33.
Variant type: Deletion.
Coding change: c.380del on transcript NM_017636.4 (MANE Select); coding-DNA position 380, one base deleted (G; older notation c.380delG).
Protein change: p.Gly127fs; shifts the reading frame from glycine 127.
Molecular consequence: frameshift variant. On other transcripts: intron variant (4).
Genome position (GRCh38, 1-based): chr19:49,168,029, G deleted; the last of 6 consecutive G bases (chr19:49,168,024-49,168,029); deleting any one gives the same sequence. VCF-style (leftmost placement, unchanged base first): chr19-49168023-CG-C. GRCh37 (hg19) VCF-style: chr19-49671280-CG-C.
Other names: c.380del, p.Gly127fs (NM_001195227.2); c.-1105-231del (NM_001321282.2); c.268-524del (NM_001321281.2); c.-74-231del (NM_001321283.2); c.-237-524del (NM_001321285.2); c.380del (NM_017636.3); short protein forms G127fs.
Identifiers: ClinVar variation 1677761 (VCV001677761.7), dbSNP rs746997172, ClinGen allele CA508099633.